The following is an entry in ClinVar:

ClinVar aggregate classification (germline): Likely pathogenic. Review status: reviewed by expert panel (3 of 4 stars). 3 submissions from 3 submitters: Likely pathogenic (1). 2 of the submissions do not count toward it. Last evaluated 2025-04-22.

Conditions:
DICER1-related tumor predisposition. Also called: DICER1-related pleuropulmonary blastoma cancer predisposition syndrome; DICER1 syndrome. Identifiers: Orphanet 284343, MedGen C3839822, MONDO:0100216.

gnomAD v4.1: 1 of 1,613,606 alleles (0.000062%); highest among the groups gnomAD compares: Non-Finnish European, 0.000085%; no homozygotes.

Submissions (3):

ClinGen DICER1 and miRNA-Processing Gene Variant Curation Expert Panel, ClinGen
Classification: Likely pathogenic for DICER1-related tumor predisposition. Last evaluated: 2025-04-22. Review status: reviewed by expert panel. Criteria: ClinGen DICER1 ACMG Specifications DICER1 V1.3.0. Collection method: curation. Allele origin: germline. Inheritance: Autosomal dominant inheritance.
Comment: The NM_177438.3:c.2523A>G (p.Gln841=) variant is a synonymous (silent) variant that is predicted to impact splicing. This variant received a total of 1 phenotype points across 1 unrelated proband meeting DICER1 VCEP phenotype specificity scoring criteria of 1-1.5 points (PS4_Supporting; PMID: 36922881). At least one patient with this variant was found to have a somatic second hit in a recognized DICER1 hotspot codon on tumor sequencing, which is highly specific for DICER1-related tumor predisposition (PP4, PMID: 36922881). This variant has an allele frequency of 6.197e-7 (1/1613606 alleles) across gnomAD v4.1.0 with no more than one allele in any subpopulation, which is lower than the ClinGen DICER1 VCEP threshold (<0.000005) for PM2_Supporting, and therefore meets this criterion (PM2_Supporting). Sequencing of RNA from patients showed an out-of-frame impact on splicing, indicating that this variant impacts protein function (PS3; PMIDs: 36922881, 39484203; Internal lab contributors). The splice site predictor SpliceAI indicates that the variant impacts splicing, evidence that correlates with impact to DICER1 function (PP3). In summary, this variant meets the criteria to be classified as Likely Pathogenic for DICER1-related tumor predisposition based on the ACMG/AMP criteria applied, as specified by the ClinGen DICER1 VCEP: PS4_Supporting, PP4, PM2_Supporting, PS3, PP3. (Bayesian Points: 8; VCEP specifications version 1.3.0; 4/22/2025)

Labcorp Genetics (formerly Invitae), Labcorp
Classification: Likely pathogenic for DICER1-related tumor predisposition. Last evaluated: 2024-11-21. Review status: criteria provided, single submitter. Criteria: Invitae Variant Classification Sherloc (09022015). Collection method: clinical testing. Allele origin: germline. Not counted in ClinVar's aggregate classification.
Comment: This sequence change affects codon 841 of the DICER1 mRNA. It is a 'silent' change, meaning that it does not change the encoded amino acid sequence of the DICER1 protein. RNA analysis indicates that this variant induces altered splicing and may result in an absent or altered protein product. This variant is not present in population databases (gnomAD no frequency). This variant has been observed in individual(s) with pleuropulmonary blastoma (PMID: 36922881). ClinVar contains an entry for this variant (Variation ID: 1676595). Studies have shown that this variant results in activation of a cryptic splice site, and produces a non-functional protein and/or introduces a premature termination codon (PMID: 36922881; internal data). In summary, the currently available evidence indicates that the variant is pathogenic, but additional data are needed to prove that conclusively. Therefore, this variant has been classified as Likely Pathogenic.

Seattle Children's Hospital Molecular Genetics Laboratory, Seattle Children's Hospital
Classification: Uncertain significance. Review status: criteria provided, single submitter. Criteria: ACMG Guidelines, 2015. Collection method: clinical testing. Allele origin: unknown. Inheritance: Autosomal dominant inheritance. Affected: yes. Not counted in ClinVar's aggregate classification.
Comment: This variant does not result in a change to the amino acid at position 841, but some in silico tools predict that it could alter mRNA splicing by creating a new splice acceptor site (SpliceAI, Alternative Splice Site Predictor). However, these predictions have not been confirmed with functional studies. To our knowledge, the variant has not previously been reported in the literature, is absent from population databases (gnomAD and ExAC frequencies of 0), and is not listed in ClinVar. A missense variant at this position has been reported in ClinVar as a variant of uncertain significance (Variation ID: 834289).

Literature cited by the submitters: PubMed 36922881 (cited by Labcorp Genetics (formerly Invitae), Labcorp).

NM_177438.3(DICER1):c.2523A>G (p.Gln841=)

Gene: DICER1 (dicer 1, ribonuclease III; minus strand). Cytogenetic location: 14q32.13.
Variant type: single nucleotide variant.
Coding change: c.2523A>G on transcript NM_177438.3 (MANE Select); coding-DNA position 2523, A replaced by G.
Protein change: p.Gln841=; no amino-acid change (glutamine 841 retained).
Molecular consequence: synonymous variant. On other transcripts: non-coding transcript variant (6).
Genome position (GRCh38, 1-based): chr14:95,108,007, T>C on the plus strand (A>G on the coding strand, the complement: DICER1 is on the minus strand). VCF-style: chr14-95108007-T-C. GRCh37 (hg19) VCF-style: chr14-95574344-T-C.
Other names: NM_177438.3(DICER1):c.2523A>G; p.Gln841=; c.2523A>G, p.Gln841= (NM_001395693.1, NM_001395694.1, NM_001395695.1 and 12 more transcripts); c.2118A>G, p.Gln706= (NM_001395696.1, NM_001395687.1, NM_001395688.1 and 2 more transcripts); c.840A>G, p.Gln280= (NM_001395697.1); c.2241A>G, p.Gln747= (NM_001395686.1); c.1956A>G, p.Gln652= (NM_001395691.1).
Identifiers: ClinVar variation 1676595 (VCV001676595.7), dbSNP rs1891604387, ClinGen allele CA487844850.